The following is an entry in ClinVar:

ClinVar aggregate classification (germline): Pathogenic (1 of 4 stars; one submission).

Submission:

Labcorp Genetics (formerly Invitae), Labcorp
Classification: Pathogenic. Last evaluated: 2025-03-19. Review status: criteria provided, single submitter. Criteria: Invitae Variant Classification Sherloc (09022015). Collection method: clinical testing. Allele origin: germline.
Comment: This sequence change creates a premature translational stop signal (p.His161Glnfs*27) in the AUTS2 gene. It is expected to result in an absent or disrupted protein product. Loss-of-function variants in AUTS2 are known to be pathogenic (PMID: 25205402, 27075013). This variant is not present in population databases (gnomAD no frequency). This variant has not been reported in the literature in individuals affected with AUTS2-related conditions. For these reasons, this variant has been classified as Pathogenic.

Literature cited by the submitters: PubMed 25205402; PubMed 27075013.

NM_015570.4(AUTS2):c.479_482dup (p.His161fs)

Gene: AUTS2 (activator of transcription and developmental regulator AUTS2; plus strand). Cytogenetic location: 7q11.22.
Variant type: Duplication.
Coding change: c.479_482dup on transcript NM_015570.4 (MANE Select); coding-DNA positions 479 to 482, 4 bases duplicated (AGCA; older notation c.479_482dupAGCA).
Protein change: p.His161fs; shifts the reading frame from histidine 161.
Molecular consequence: frameshift variant.
Genome position (GRCh38, 1-based): chr7:69,899,455-69,899,458, AGCA duplicated. VCF-style (leftmost placement, unchanged base first): chr7-69899454-C-CAGCA. GRCh37 (hg19) VCF-style: chr7-69364440-C-CAGCA.
Other names: c.479_482dup, p.His161fs (NM_001127231.3, NM_001127232.3); short protein forms H161fs.
Identifiers: ClinVar variation 4715476 (VCV004715476.1).